The following is an entry in ClinVar:

ClinVar aggregate classification (germline): Uncertain significance. Review status: criteria provided, multiple submitters, no conflicts (2 of 4 stars). 2 submissions from 2 submitters: Uncertain significance (2). Last evaluated 2021-08-30.

Submissions (2):

Labcorp Genetics (formerly Invitae), Labcorp
Classification: Uncertain significance. Last evaluated: 2021-08-30. Review status: criteria provided, single submitter. Criteria: Invitae Variant Classification Sherloc (09022015). Collection method: clinical testing. Allele origin: germline.
Comment: This variant, c.3675_3676insAGG, results in the insertion of 1 amino acid(s) to the PCARE protein (p.Ser1225_Glu1226insArg), but otherwise preserves the integrity of the reading frame. This variant is not present in population databases (ExAC no frequency). This variant has not been reported in the literature in individuals affected with PCARE-related conditions. Experimental studies and prediction algorithms are not available or were not evaluated, and the functional significance of this variant is currently unknown. In summary, the available evidence is currently insufficient to determine the role of this variant in disease. Therefore, it has been classified as a Variant of Uncertain Significance.

Blueprint Genetics
Classification: Uncertain significance. Last evaluated: 2021-06-10. Review status: criteria provided, single submitter. Criteria: ACMG Guidelines, 2015. Collection method: clinical testing. Allele origin: germline.

NM_001029883.3(PCARE):c.3675_3676insAGG (p.Ser1225_Glu1226insArg)

Gene: PCARE (photoreceptor cilium actin regulator; minus strand). Cytogenetic location: 2p23.2.
Variant type: Insertion.
Coding change: c.3675_3676insAGG on transcript NM_001029883.3 (MANE Select); coding-DNA positions 3675 to 3676, AGG inserted.
Protein change: p.Ser1225_Glu1226insArg.
Molecular consequence: inframe insertion.
Genome position: GRCh38 VCF-style: chr2-29065060-C-CCCT. GRCh37 (hg19) VCF-style: chr2-29287926-C-CCCT.
Identifiers: ClinVar variation 999206 (VCV000999206.7), dbSNP rs1553353627, ClinGen allele CA531766790.